The following is an entry in ClinVar:

NM_001089.3(ABCA3):c.2003G>A (p.Gly668Asp)

Gene: ABCA3 (ATP binding cassette subfamily A member 3; minus strand). Cytogenetic location: 16p13.3.
Variant type: single nucleotide variant.
Coding change: c.2003G>A on transcript NM_001089.3 (MANE Select); coding-DNA position 2003, G replaced by A.
Protein change: p.Gly668Asp; replaces glycine 668 with aspartic acid.
Molecular consequence: missense variant.
Genome position (GRCh38, 1-based): chr16:2,297,815, C>T on the plus strand (G>A on the coding strand, the complement: ABCA3 is on the minus strand). VCF-style: chr16-2297815-C-T. GRCh37 (hg19) VCF-style: chr16-2347816-C-T.
Other names: short protein forms G668D.
Identifiers: ClinVar variation 88775 (VCV000088775.3), dbSNP rs397518427, ClinGen allele CA220092.

ClinVar aggregate classification (germline): Uncertain significance. Review status: criteria provided, single submitter (1 of 4 stars). 2 submissions from 2 submitters: Uncertain significance (1). 1 of the submissions does not count toward it. Last evaluated 2020-01-29.

Conditions:
Interstitial lung disease due to ABCA3 deficiency. Also called: PULMONARY ALVEOLAR PROTEINOSIS, CONGENITAL, 3. Identifiers: Orphanet 440402, MedGen C1970456, MONDO:0012582, OMIM 610921.

gnomAD v4.1: 1 of 1,613,582 alleles (0.000062%); highest among the groups gnomAD compares: Non-Finnish European, 0.000085%; no homozygotes.

Submissions (2):

Johns Hopkins Genomics, Johns Hopkins University
Classification: Uncertain significance for Interstitial lung disease due to ABCA3 deficiency. Last evaluated: 2020-01-29. Review status: criteria provided, single submitter. Criteria: ACMG Guidelines, 2015. Collection method: clinical testing. Allele origin: germline.
Comment: This ABCA3 variant is absent from large population datasets and has not been reported in affected individuals in the literature, to our knowledge. Three bioinformatic tools queried predict that this substitution would probably be damaging, and the glycine residue at this position is evolutionarily conserved across most species assessed. Due to lack of functional data, we consider the clinical significance of c.2003G>A to be uncertain at this time.

Cole and Hamvas Lab,  Washington University - St. Louis
No classification provided. Review status: no classification provided. Collection method: not provided. Allele origin: unknown. Not counted in ClinVar's aggregate classification.
Comment: Zhuang Chinese
ClinVar note: Converted during submission from untested to not provided.

Literature cited by the submitters: PubMed 23166334 (cited by Johns Hopkins Genomics, Johns Hopkins University).